The following is an entry in ClinVar:

ClinVar aggregate classification (germline): Uncertain significance (1 of 4 stars; one submission).

Allele frequency attached by ClinVar (database versions not stated): gnomAD 0.00001.
gnomAD v4.1: 22 of 1,602,418 alleles (0.0014%); highest among the groups gnomAD compares: South Asian, 0.021%; no homozygotes.

Submission:

GeneDx
Classification: Uncertain significance. Last evaluated: 2019-07-02. Review status: criteria provided, single submitter. Criteria: GeneDx Variant Classification Process June 2021. Collection method: clinical testing. Allele origin: germline. Affected: yes.
Comment: In silico analysis, which includes protein predictors and evolutionary conservation, supports a deleterious effect; Has not been previously published as pathogenic or benign to our knowledge

NM_020435.4(GJC2):c.310C>T (p.Arg104Cys)

Gene: GJC2 (gap junction protein gamma 2; plus strand). Cytogenetic location: 1q42.13.
Variant type: single nucleotide variant.
Coding change: c.310C>T on transcript NM_020435.4 (MANE Select); coding-DNA position 310, C replaced by T.
Protein change: p.Arg104Cys; replaces arginine 104 with cysteine.
Molecular consequence: missense variant.
Genome position (GRCh38, 1-based): chr1:228,158,068, C>T. VCF-style: chr1-228158068-C-T. GRCh37 (hg19) VCF-style: chr1-228345769-C-T.
Other names: short protein forms R104C.
Identifiers: ClinVar variation 1306662 (VCV001306662.2), dbSNP rs770536494, ClinGen allele CA1430842.
Genomic context (GRCh38, chr1:228,158,068, plus strand): 5'-ATTGTGGTCATCTCCACGCCCTCGGTCATGTACCTGGGCTACGCCGTGCACCGCCTGGCC[C>T]GTGCGTCTGAGCAGGAGCGGCGCCGCGCCCTCCGCCGCCGCCCGGGGCCACGCCGCGCGC-3'
Protein context (NP_065168.2, residues 94-114): YLGYAVHRLA[Arg104Cys]ASEQERRRAL